The following is an entry in ClinVar:

NM_001379286.1(ZNF423):c.1560C>T (p.Asp520=)

Gene: ZNF423 (zinc finger protein 423; minus strand). Cytogenetic location: 16q12.1.
Variant type: single nucleotide variant.
Coding change: c.1560C>T on transcript NM_001379286.1 (MANE Select); coding-DNA position 1560, C replaced by T.
Protein change: p.Asp520=; no amino-acid change (aspartic acid 520 retained).
Molecular consequence: synonymous variant.
Genome position (GRCh38, 1-based): chr16:49,637,616, G>A on the plus strand (C>T on the coding strand, the complement: ZNF423 is on the minus strand). VCF-style: chr16-49637616-G-A. GRCh37 (hg19) VCF-style: chr16-49671527-G-A.
Other names: c.1356C>T, p.Asp452= (NM_001271620.2); c.1185C>T, p.Asp395= (NM_001330533.2); c.1536C>T, p.Asp512= (NM_015069.5); c.1536C>T (NM_015069.4).
Identifiers: ClinVar variation 473056 (VCV000473056.22), dbSNP rs149371639, ClinGen allele CA8046660.

ClinVar aggregate classification (germline): Benign/Likely benign. Review status: criteria provided, multiple submitters, no conflicts (2 of 4 stars). 4 submissions from 4 submitters: Benign (1); Likely benign (2). 1 of the submissions does not count toward it. Last evaluated 2025-12-08.

Conditions:
ZNF423-related disorder. Also called: ZNF423-related condition.
Nephronophthisis 14 (NPHP14). Identifiers: Orphanet 2318, MedGen C3539071, MONDO:0013916, OMIM 614844.

Allele frequency attached by ClinVar (database versions not stated): gnomAD exomes 0.00020; ExAC 0.00022; gnomAD 0.00068 and 0.00073; 1000 Genomes Project 30x 0.00078; 1000 Genomes Project 0.00080; TOPMed 0.00083; ESP Exome Variant Server 0.00085.
gnomAD v4.1: 232 of 1,614,062 alleles (0.014%); highest among the groups gnomAD compares: African/African-American, 0.23%; no homozygotes.

Submissions (4):

Labcorp Genetics (formerly Invitae), Labcorp
Classification: Benign for Nephronophthisis 14. Last evaluated: 2025-12-08. Review status: criteria provided, single submitter. Criteria: Invitae Variant Classification Sherloc (09022015). Collection method: clinical testing. Allele origin: germline.

CeGaT Center for Human Genetics Tuebingen
Classification: Likely benign. Last evaluated: 2025-05-01. Review status: criteria provided, single submitter. Criteria: CeGaT Center For Human Genetics Tuebingen Variant Classification Criteria Version 2. Collection method: clinical testing. Allele origin: germline. Affected: yes. Observed: 2 variant alleles.
Comment: ZNF423: BP4, BP7

Blueprint Genetics
Classification: Likely benign. Last evaluated: 2024-10-03. Review status: criteria provided, single submitter. Criteria: ACMG Guidelines, 2015. Collection method: clinical testing. Allele origin: germline.

PreventionGenetics, part of Exact Sciences
Classification: Likely benign for ZNF423-related condition. Last evaluated: 2019-07-26. Review status: no assertion criteria provided. Collection method: clinical testing. Allele origin: germline. Not counted in ClinVar's aggregate classification.
Comment: This variant is classified as likely benign based on ACMG/AMP sequence variant interpretation guidelines (Richards et al. 2015 PMID: 25741868, with internal and published modifications).